The following is an entry in ClinVar:

NM_031448.6(C19orf12):c.-10-335A>G

Gene: C19orf12 (chromosome 19 open reading frame 12; minus strand). Cytogenetic location: 19q12.
Variant type: single nucleotide variant.
Coding change: c.-10-335A>G on transcript NM_031448.6 (MANE Select); 335 bases into the intron before 10 bases upstream of the start codon, A replaced by G.
Molecular consequence: intron variant.
Genome position (GRCh38, 1-based): chr19:29,708,758, T>C on the plus strand (A>G on the coding strand, the complement: C19orf12 is on the minus strand). VCF-style: chr19-29708758-T-C. GRCh37 (hg19) VCF-style: chr19-30199665-T-C.
Other names: c.-32-5781A>G (NM_001282929.1, NM_001282930.3); c.-10-335A>G (NM_001256047.2, NM_001256046.3, NM_001031726.4); c.-323-335A>G (NM_001282931.3).
Identifiers: ClinVar variation 3256807 (VCV003256807.2).

ClinVar aggregate classification (germline): Benign (1 of 4 stars; one submission).

Submission:

Unidad de Genómica Garrahan, Hospital de Pediatría Garrahan
Classification: Benign. Last evaluated: 2024-07-31. Review status: criteria provided, single submitter. Criteria: ACMG Guidelines, 2015. Collection method: clinical testing. Allele origin: germline. Affected: no. Observed: 46 variant alleles.
Comment: This variant is classified as Benign based on local population frequency. This variant was detected in 49% of patients studied in a panel designed for Epileptic and Developmental Encephalopathy, Progressive Myoclonus Epilepsy and Abnormal Movements and Neurodegeneration with brain iron accumulation. Number of patients: 46. Only high quality variants are reported.